The following is an entry in ClinVar:

ClinVar aggregate classification (germline): Uncertain significance (1 of 4 stars; one submission).

Submission:

Institute for Clinical Genetics, University Hospital TU Dresden, University Hospital TU Dresden
Classification: Uncertain significance. Last evaluated: 2023-06-20. Review status: criteria provided, single submitter. Criteria: ACMG Guidelines, 2015. Collection method: clinical testing. Allele origin: germline.
Comment: PP3, PM2_SUP

NM_175914.5(HNF4A):c.263A>G (p.Asn88Ser)

Gene: HNF4A (hepatocyte nuclear factor 4 alpha; plus strand). Cytogenetic location: 20q13.12.
Variant type: single nucleotide variant.
Coding change: c.263A>G on transcript NM_175914.5 (MANE Select); coding-DNA position 263, A replaced by G.
Protein change: p.Asn88Ser; replaces asparagine 88 with serine.
Molecular consequence: missense variant.
Genome position (GRCh38, 1-based): chr20:44,407,419, A>G. VCF-style: chr20-44407419-A-G. GRCh37 (hg19) VCF-style: chr20-43036059-A-G.
Other names: c.329A>G, p.Asn110Ser (NM_000457.6, NM_178849.3, NM_178850.3); c.263A>G, p.Asn88Ser (NM_001030003.3, NM_001030004.3); c.308A>G, p.Asn103Ser (NM_001258355.2); c.254A>G, p.Asn85Ser (NM_001287182.2, NM_001287183.2, NM_001287184.2); short protein forms N103S, N110S, N85S, N88S.
Identifiers: ClinVar variation 2576160 (VCV002576160.1), dbSNP rs2515650940, ClinGen allele CA409104219.